The following is an entry in ClinVar:

NM_000051.4(ATM):c.4591C>T (p.Gln1531Ter)

Gene: ATM (ATM serine/threonine kinase; plus strand). Cytogenetic location: 11q22.3.
Variant type: single nucleotide variant.
Coding change: c.4591C>T on transcript NM_000051.4 (MANE Select); coding-DNA position 4591, C replaced by T.
Protein change: p.Gln1531Ter; replaces glutamine 1531 with a stop codon.
Molecular consequence: nonsense.
Genome position (GRCh38, 1-based): chr11:108,292,773, C>T. VCF-style: chr11-108292773-C-T. GRCh37 (hg19) VCF-style: chr11-108163500-C-T.
Other names: c.4591C>T, p.Gln1531Ter (NM_001351834.2); short protein forms Q1531*.
Identifiers: ClinVar variation 838809 (VCV000838809.16), dbSNP rs2082872908, ClinGen allele CA382533998.

ClinVar aggregate classification (germline): Pathogenic/Likely pathogenic. Review status: criteria provided, multiple submitters, no conflicts (2 of 4 stars). 8 submissions from 8 submitters: Pathogenic (5); Likely pathogenic (3). Last evaluated 2025-09-11.

Conditions:
Hereditary cancer-predisposing syndrome. Also called: Neoplastic Syndromes, Hereditary; Hereditary neoplastic syndrome; Tumor predisposition; Hereditary Cancer Syndrome. Identifiers: Orphanet 140162, MedGen C0027672, MeSH D009386, MONDO:0015356.
Familial cancer of breast. Also called: BREAST CANCER, FAMILIAL; hereditary breast carcinoma; Hereditary breast cancer. Identifiers: Orphanet 227535, MedGen C0346153, MONDO:0016419, OMIM 114480. Disease mechanism: loss of function.
Ataxia-telangiectasia syndrome (AT). Also called: Ataxia-telangiectasia, complementation group E; Ataxia telangiectasia (A-T); LOUIS-BAR SYNDROME; Ataxia-telangiectasia, complementation group D; AT, COMPLEMENTATION GROUP C; Ataxia-telangiectasia. Identifiers: Orphanet 100, MedGen C0004135, MONDO:0008840, OMIM 208900.
Malignant tumor of breast. Also called: Cancer breast; Malignant breast neoplasm. Identifiers: MedGen C0006142, MONDO:0007254. Disease mechanism: loss of function.

Allele frequency attached by ClinVar (database versions not stated): gnomAD exomes below 0.00001.
gnomAD v4.1: 1 of 1,613,900 alleles (0.000062%); highest among the groups gnomAD compares: Non-Finnish European, 0.000085%; no homozygotes.

Submissions (8):

Labcorp Genetics (formerly Invitae), Labcorp
Classification: Pathogenic for Ataxia-telangiectasia syndrome. Last evaluated: 2025-09-11. Review status: criteria provided, single submitter. Criteria: Invitae Variant Classification Sherloc (09022015). Collection method: clinical testing. Allele origin: germline.
Comment: This sequence change creates a premature translational stop signal (p.Gln1531*) in the ATM gene. It is expected to result in an absent or disrupted protein product. Loss-of-function variants in ATM are known to be pathogenic (PMID: 23807571, 25614872). This variant is not present in population databases (gnomAD no frequency). This variant has not been reported in the literature in individuals affected with ATM-related conditions. ClinVar contains an entry for this variant (Variation ID: 838809). Algorithms developed to predict the effect of sequence changes on RNA splicing suggest that this variant may disrupt the consensus splice site. For these reasons, this variant has been classified as Pathogenic.

Ambry Genetics
Classification: Pathogenic for Hereditary cancer-predisposing syndrome. Last evaluated: 2025-03-30. Review status: criteria provided, single submitter. Criteria: Ambry Variant Classification Scheme 2023. Collection method: clinical testing. Allele origin: germline.
Comment: The p.Q1531* pathogenic mutation (also known as c.4591C>T), located in coding exon 29 of the ATM gene, results from a C to T substitution at nucleotide position 4591. This changes the amino acid from a glutamine to a stop codon within coding exon 29. This alteration was reported in 1 of 13087 breast cancer cases and 0 of 5488 controls within a UK cohort. (Decker B et al. J Med Genet, 2017 11;54:732-741). This variant is considered to be rare based on population cohorts in the Genome Aggregation Database (gnomAD). In addition to the clinical data presented in the literature, this alteration is expected to result in loss of function by premature protein truncation or nonsense-mediated mRNA decay. As such, this alteration is interpreted as a disease-causing mutation.

Fulgent Genetics
Classification: Likely pathogenic for Familial cancer of breast; Ataxia-telangiectasia syndrome. Last evaluated: 2024-05-30. Review status: criteria provided, single submitter. Criteria: ACMG Guidelines, 2015. Collection method: clinical testing. Allele origin: germline.

Natera, Inc.
Classification: Likely pathogenic for Ataxia-telangiectasia. Last evaluated: 2024-03-11. Review status: criteria provided, single submitter. Criteria: Natera Variant Classification Schema (03/2026). Collection method: clinical testing. Allele origin: germline.
Comment: The c.4591C>T variant in ATM is a nonsense variant predicted to introduce a stop codon at amino acid 1531. This variant is expected to result in nonsense mediated decay, truncation, or a dysfunctional protein product. This variant is rare in the general population with a frequency below the threshold expected for the associated phenotype(s). Given the available evidence, this variant is classified as Likely Pathogenic.

Myriad Genetics, Inc.
Classification: Pathogenic for Familial cancer of breast. Last evaluated: 2024-01-24. Review status: criteria provided, single submitter. Criteria: Myriad Autosomal Dominant, Autosomal Recessive and X-Linked Classification Criteria (2023). Collection method: clinical testing. Allele origin: unknown.
Comment: This variant is considered pathogenic. This variant creates a termination codon and is predicted to result in premature protein truncation.

Baylor Genetics
Classification: Likely pathogenic for Familial cancer of breast. Last evaluated: 2023-05-25. Review status: criteria provided, single submitter. Criteria: ACMG Guidelines, 2015. Collection method: clinical testing. Allele origin: unknown.

Women's Health and Genetics/Laboratory Corporation of America, LabCorp
Classification: Pathogenic for Malignant tumor of breast. Last evaluated: 2023-03-07. Review status: criteria provided, single submitter. Criteria: LabCorp Variant Classification Summary - May 2015. Collection method: clinical testing. Allele origin: germline.
Comment: Variant summary: ATM c.4591C>T (p.Gln1531X) results in a premature termination codon, predicted to cause a truncation of the encoded protein or absence of the protein due to nonsense mediated decay, which are commonly known mechanisms for disease. Truncations downstream of this position have been classified as pathogenic by our laboratory. The variant was absent in 251332 control chromosomes (gnomAD). c.4591C>T has not been reported in the literature in individuals affected with Breast Cancer. To our knowledge, no experimental evidence demonstrating an impact on protein function has been reported. Three ClinVar submitters (evaluation after 2014) cite this variant as pathogenic. Based on the evidence outlined above, the variant was classified as pathogenic.

Color Diagnostics, LLC DBA Color Health
Classification: Pathogenic for Hereditary cancer-predisposing syndrome. Last evaluated: 2021-01-19. Review status: criteria provided, single submitter. Criteria: ACMG Guidelines, 2015. Collection method: clinical testing. Allele origin: germline.
Comment: This variant changes 1 nucleotide in exon 30 of the ATM gene, creating a premature translation stop signal. This variant is expected to result in an absent or non-functional protein product. To our knowledge, this variant has not been reported in individuals affected with hereditary cancer in the literature. This variant has not been identified in the general population by the Genome Aggregation Database (gnomAD). Loss of ATM function is a known mechanism of disease. Based on the available evidence, this variant is classified as Pathogenic.

Literature cited by the submitters: PubMed 23807571 (cited by Labcorp Genetics (formerly Invitae), Labcorp); PubMed 25614872 (cited by Labcorp Genetics (formerly Invitae), Labcorp); PubMed 28779002 (cited by Ambry Genetics and Women's Health and Genetics/Laboratory Corporation of America, LabCorp); PubMed 33471991 (cited by Women's Health and Genetics/Laboratory Corporation of America, LabCorp); PubMed 33742106 (cited by Women's Health and Genetics/Laboratory Corporation of America, LabCorp).